The following is an entry in ClinVar:

NM_031407.7(HUWE1):c.9097-5C>T

Gene: HUWE1 (HECT, UBA and WWE domain containing E3 ubiquitin protein ligase 1; minus strand). Cytogenetic location: Xp11.22.
Variant type: single nucleotide variant.
Coding change: c.9097-5C>T on transcript NM_031407.7 (MANE Select); 5 bases into the intron before coding-DNA position 9097, C replaced by T.
Molecular consequence: intron variant.
Genome position (GRCh38, 1-based): chrX:53,551,194, G>A on the plus strand (C>T on the coding strand, the complement: HUWE1 is on the minus strand). VCF-style: chrX-53551194-G-A. GRCh37 (hg19) VCF-style: chrX-53578155-G-A.
Identifiers: ClinVar variation 1765752 (VCV001765752.2), dbSNP rs782815099, ClinGen allele CA10421708.

ClinVar aggregate classification (germline): Uncertain significance (1 of 4 stars; one submission).

Conditions:
Inborn genetic diseases. Identifiers: MedGen C0950123, MeSH D030342.

Allele frequency attached by ClinVar (database versions not stated): ExAC 0.00001; gnomAD exomes 0.00001.
gnomAD v4.1: 6 of 1,211,702 alleles (0.0005%); highest among the groups gnomAD compares: South Asian, 0.0035%; no homozygotes.

Submission:

Ambry Genetics
Classification: Uncertain significance for Inborn genetic diseases. Last evaluated: 2019-11-20. Review status: criteria provided, single submitter. Criteria: Ambry Variant Classification Scheme 2023. Collection method: clinical testing. Allele origin: germline.
Comment: The c.9097-5C>T intronic variant results from a C to T substitution 5 nucleotides upstream from coding exon 62 in the HUWE1 gene. This nucleotide position is not well conserved in available vertebrate species. Using the BDGP and ESEfinder splice site prediction tools, this alteration is not predicted to have any significant effect on this splice acceptor site; however, direct evidence is unavailable. Since supporting evidence is limited at this time, the clinical significance of this alteration remains unclear.